The following is an entry in ClinVar:

ClinVar aggregate classification (germline): Uncertain significance (1 of 4 stars; one submission).

Allele frequency attached by ClinVar (database versions not stated): gnomAD exomes below 0.00001.
gnomAD v4.1: 1 of 1,588,708 alleles (0.000063%); highest among the groups gnomAD compares: South Asian, 0.0011%; no homozygotes.

Submission:

Labcorp Genetics (formerly Invitae), Labcorp
Classification: Uncertain significance. Last evaluated: 2023-04-15. Review status: criteria provided, single submitter. Criteria: Invitae Variant Classification Sherloc (09022015). Collection method: clinical testing. Allele origin: germline.
Comment: An algorithm developed to predict the effect of missense changes on protein structure and function (PolyPhen-2) suggests that this variant is likely to be disruptive. This sequence change replaces aspartic acid, which is acidic and polar, with glutamic acid, which is acidic and polar, at codon 408 of the FLAD1 protein (p.Asp408Glu). This variant is present in population databases (no rsID available, gnomAD 0.004%). This variant has not been reported in the literature in individuals affected with FLAD1-related conditions. In summary, the available evidence is currently insufficient to determine the role of this variant in disease. Therefore, it has been classified as a Variant of Uncertain Significance.

NM_025207.5(FLAD1):c.1224C>G (p.Asp408Glu)

Gene: FLAD1 (flavin adenine dinucleotide synthetase 1; plus strand). Cytogenetic location: 1q21.3.
Variant type: single nucleotide variant.
Coding change: c.1224C>G on transcript NM_025207.5 (MANE Select); coding-DNA position 1224, C replaced by G.
Protein change: p.Asp408Glu; replaces aspartic acid 408 with glutamic acid.
Molecular consequence: missense variant.
Genome position (GRCh38, 1-based): chr1:154,989,666, C>G. VCF-style: chr1-154989666-C-G. GRCh37 (hg19) VCF-style: chr1-154962142-C-G.
Other names: c.933C>G, p.Asp311Glu (NM_001184891.2, NM_201398.3); short protein forms D311E, D408E.
Identifiers: ClinVar variation 2856457 (VCV002856457.3), dbSNP rs1314219406, ClinGen allele CA342751208.